The following is an entry in ClinVar:

NM_018151.5(RIF1):c.2956A>G (p.Thr986Ala)

Gene: RIF1 (replication timing regulatory factor 1; plus strand). Cytogenetic location: 2q23.3.
Variant type: single nucleotide variant.
Coding change: c.2956A>G on transcript NM_018151.5 (MANE Select); coding-DNA position 2956, A replaced by G.
Protein change: p.Thr986Ala; replaces threonine 986 with alanine.
Molecular consequence: missense variant.
Genome position (GRCh38, 1-based): chr2:151,460,000, A>G. VCF-style: chr2-151460000-A-G. GRCh37 (hg19) VCF-style: chr2-152316514-A-G.
Other names: c.2956A>G, p.Thr986Ala (NM_001177663.2, NM_001177664.2, NM_001177665.2); c.2956A>G (NM_018151.4); short protein forms T986A.
Identifiers: ClinVar variation 2651421 (VCV002651421.25), dbSNP rs61748230, ClinGen allele CA1904655.

ClinVar aggregate classification (germline): Conflicting classifications of pathogenicity. Review status: criteria provided, conflicting classifications (1 of 4 stars). 2 submissions from 2 submitters: Uncertain significance (1); Likely benign (1). Last evaluated 2025-08-26.

Allele frequency attached by ClinVar (database versions not stated): TOPMed 0.00332; gnomAD 0.00349; ExAC 0.00396; 1000 Genomes Project 30x 0.00219; 1000 Genomes Project 0.00220; ESP Exome Variant Server 0.00410; gnomAD exomes 0.00432.
gnomAD v4.1: 6,491 of 1,529,338 alleles (0.42%); highest among the groups gnomAD compares: Non-Finnish European, 0.5%; 18 homozygotes.

Submissions (2):

Ambry Genetics
Classification: Uncertain significance. Last evaluated: 2025-08-26. Review status: criteria provided, single submitter. Criteria: Ambry Variant Classification Scheme 2023. Collection method: clinical testing. Allele origin: germline.

CeGaT Center for Human Genetics Tuebingen
Classification: Likely benign. Last evaluated: 2023-01-01. Review status: criteria provided, single submitter. Criteria: CeGaT Center For Human Genetics Tuebingen Variant Classification Criteria Version 2. Collection method: clinical testing. Allele origin: germline. Affected: yes. Observed: 1 variant allele.
Comment: RIF1: BP4, BS2